The following is an entry in ClinVar:

NM_005515.4(MNX1):c.1174C>G (p.Pro392Ala)

Gene: MNX1 (motor neuron and pancreas homeobox 1; minus strand). Cytogenetic location: 7q36.3.
Variant type: single nucleotide variant.
Coding change: c.1174C>G on transcript NM_005515.4 (MANE Select); coding-DNA position 1174, C replaced by G.
Protein change: p.Pro392Ala; replaces proline 392 with alanine.
Molecular consequence: missense variant.
Genome position (GRCh38, 1-based): chr7:157,005,552, G>C on the plus strand (C>G on the coding strand, the complement: MNX1 is on the minus strand). VCF-style: chr7-157005552-G-C. GRCh37 (hg19) VCF-style: chr7-156798246-G-C.
Other names: c.538C>G, p.Pro180Ala (NM_001165255.2); short protein forms P180A, P392A.
Identifiers: ClinVar variation 3610828 (VCV003610828.2).

ClinVar aggregate classification (germline): Uncertain significance (1 of 4 stars; one submission).

gnomAD v4.1: 5 of 1,550,470 alleles (0.00032%); highest among the groups gnomAD compares: Non-Finnish European, 0.00043%; no homozygotes.

Submission:

Labcorp Genetics (formerly Invitae), Labcorp
Classification: Uncertain significance. Last evaluated: 2024-08-22. Review status: criteria provided, single submitter. Criteria: Invitae Variant Classification Sherloc (09022015). Collection method: clinical testing. Allele origin: germline.
Comment: This sequence change replaces proline, which is neutral and non-polar, with alanine, which is neutral and non-polar, at codon 392 of the MNX1 protein (p.Pro392Ala). This variant is not present in population databases (gnomAD no frequency). This variant has not been reported in the literature in individuals affected with MNX1-related conditions. Experimental studies and prediction algorithms are not available or were not evaluated, and the functional significance of this variant is currently unknown. In summary, the available evidence is currently insufficient to determine the role of this variant in disease. Therefore, it has been classified as a Variant of Uncertain Significance.